The following is an entry in ClinVar:

ClinVar aggregate classification (germline): Conflicting classifications of pathogenicity. Review status: criteria provided, conflicting classifications (1 of 4 stars). 3 submissions from 3 submitters: Uncertain significance (2); Likely benign (1). Last evaluated 2024-11-12.

Conditions:
Hereditary breast ovarian cancer syndrome. Also called: Hereditary breast and ovarian cancer syndrome; Hereditary breast and/or ovarian cancer syndrome; BRCA1- and BRCA2-Associated Hereditary Breast and Ovarian Cancer; Hereditary breast and ovarian cancer syndrome (HBOC); Hereditary breast and ovarian cancer; Breast and ovarian cancer. Identifiers: Orphanet 145, MedGen C0677776, MeSH D061325, MONDO:0003582. Disease mechanism: loss of function.
Breast-ovarian cancer, familial, susceptibility to, 2 (BROVCA2). Also called: BRCA2 Hereditary Breast and Ovarian Cancer. Identifiers: Orphanet 145, MedGen C2675520, MONDO:0012933, OMIM 612555. Disease mechanism: loss of function.

Submissions (3):

Myriad Genetics, Inc.
Classification: Likely benign for Breast-ovarian cancer, familial, susceptibility to, 2. Last evaluated: 2024-11-12. Review status: criteria provided, single submitter. Criteria: Myriad Autosomal Dominant, Autosomal Recessive and X-Linked Classification Criteria (2023). Collection method: clinical testing. Allele origin: unknown.
Comment: This variant is considered likely benign. This variant is strongly associated with less severe personal and family histories of cancer, typical for individuals without pathogenic variants in this gene [PMID: 25085752].

Labcorp Genetics (formerly Invitae), Labcorp
Classification: Uncertain significance for Hereditary breast ovarian cancer syndrome. Last evaluated: 2024-01-12. Review status: criteria provided, single submitter. Criteria: Invitae Variant Classification Sherloc (09022015). Collection method: clinical testing. Allele origin: germline.
Comment: This sequence change replaces phenylalanine, which is neutral and non-polar, with leucine, which is neutral and non-polar, at codon 3090 of the BRCA2 protein (p.Phe3090Leu). This variant is not present in population databases (gnomAD no frequency). This variant has not been reported in the literature in individuals affected with BRCA2-related conditions. ClinVar contains an entry for this variant (Variation ID: 409553). Advanced modeling of protein sequence and biophysical properties (such as structural, functional, and spatial information, amino acid conservation, physicochemical variation, residue mobility, and thermodynamic stability) performed at Invitae indicates that this missense variant is not expected to disrupt BRCA2 protein function with a negative predictive value of 95%. In summary, the available evidence is currently insufficient to determine the role of this variant in disease. Therefore, it has been classified as a Variant of Uncertain Significance.

All of Us Research Program, National Institutes of Health
Classification: Uncertain significance for Breast-ovarian cancer, familial, susceptibility to, 2. Last evaluated: 2023-10-02. Review status: criteria provided, single submitter. Criteria: ACMG Guidelines, 2015. Collection method: clinical testing. Allele origin: germline. Inheritance: Autosomal dominant inheritance. Observed: 1 variant allele, 1 heterozygote.
Comment: This missense variant replaces phenylalanine with leucine at codon 3090 of the BRCA2 protein. Computational prediction suggests that this variant may not impact protein structure and function (internally defined REVEL score threshold <= 0.5, PMID: 27666373). To our knowledge, functional studies have not been reported for this variant. This variant has not been reported in individuals affected with BRCA2-related disorders in the literature. This variant has not been identified in the general population by the Genome Aggregation Database (gnomAD). The available evidence is insufficient to determine the role of this variant in disease conclusively. Therefore, this variant is classified as a Variant of Uncertain Significance.

This study involves interpretation of variants in research participants for the purpose of population health screening. Participant phenotype was not available at the time of variant classification. Additional details can be found in publication PMID: 35346344, PMCID: PMC8962531

Literature cited by the submitters: PubMed 25085752 (cited by Myriad Genetics, Inc.).

NM_000059.4(BRCA2):c.9270C>A (p.Phe3090Leu)

Gene: BRCA2 (BRCA2 DNA repair associated; plus strand). Cytogenetic location: 13q13.1.
Variant type: single nucleotide variant.
Coding change: c.9270C>A on transcript NM_000059.4 (MANE Select); coding-DNA position 9270, C replaced by A.
Protein change: p.Phe3090Leu; replaces phenylalanine 3090 with leucine.
Molecular consequence: missense variant.
Genome position (GRCh38, 1-based): chr13:32,394,702, C>A. VCF-style: chr13-32394702-C-A. GRCh37 (hg19) VCF-style: chr13-32968839-C-A.
Other names: short protein forms F3090L.
Identifiers: ClinVar variation 409553 (VCV000409553.9), dbSNP rs587780873, ClinGen allele CA16613971.